The following is an entry in ClinVar:

NM_001613.4(ACTA2):c.350A>C (p.Asn117Thr)

Gene: ACTA2 (actin alpha 2, smooth muscle; minus strand). Cytogenetic location: 10q23.31.
Variant type: single nucleotide variant.
Coding change: c.350A>C on transcript NM_001613.4 (MANE Select); coding-DNA position 350, A replaced by C.
Protein change: p.Asn117Thr; replaces asparagine 117 with threonine.
Molecular consequence: missense variant. On other transcripts: intron variant (1).
Genome position (GRCh38, 1-based): chr10:88,943,816, T>G on the plus strand (A>C on the coding strand, the complement: ACTA2 is on the minus strand). VCF-style: chr10-88943816-T-G. GRCh37 (hg19) VCF-style: chr10-90703573-T-G.
Other names: c.350A>C, p.Asn117Thr (NM_001141945.3, NM_001320855.2, NM_001406462.1 and 3 more transcripts); c.221A>C, p.Asn74Thr (NM_001406467.1, NM_001406468.1, NM_001406469.1); c.259-1947A>C (NM_001406466.1); short protein forms N117T, N74T.
Identifiers: ClinVar variation 3338881 (VCV003338881.1).

ClinVar aggregate classification (germline): Likely pathogenic (1 of 4 stars; one submission).

Submission:

GeneDx
Classification: Likely pathogenic. Last evaluated: 2023-10-03. Review status: criteria provided, single submitter. Criteria: GeneDx Variant Classification Process June 2021. Collection method: clinical testing. Allele origin: germline. Affected: yes.
Comment: Not observed at significant frequency in large population cohorts (gnomAD); In silico analysis supports that this missense variant has a deleterious effect on protein structure/function; Published functional studies in yeast showed a disruption in cytoskeleton, vacuole morphology and mitochondrial morphology (Bergeron et al., 2011); This variant is associated with the following publications: (PMID: 21288906, 17994018)